The following is an entry in ClinVar:

ClinVar aggregate classification (germline): Uncertain significance (1 of 4 stars; one submission).

Conditions:
MKS1-related disorder. Also called: MKS1-related disorders; MKS1-related condition. Identifiers: MedGen CN239382.

gnomAD v4.1: 10 of 1,613,948 alleles (0.00062%); highest among the groups gnomAD compares: Non-Finnish European, 0.00085%; no homozygotes.

Submission:

PreventionGenetics, part of Exact Sciences
Classification: Uncertain significance for MKS1-related condition. Last evaluated: 2026-02-26. Review status: criteria provided, single submitter. Criteria: ACMG Guidelines, 2015. Collection method: clinical testing. Allele origin: germline.
Comment: The MKS1 c.1544G>C variant is predicted to result in the amino acid substitution p.Arg515Pro. To our knowledge, this variant has not been reported in the literature or in a large population database (gnomAD), indicating this variant is rare. At this time, the clinical significance of this variant is uncertain due to the absence of conclusive functional and genetic evidence.

NM_017777.4(MKS1):c.1544G>C (p.Arg515Pro)

Gene: MKS1 (MKS transition zone complex subunit 1; minus strand). Cytogenetic location: 17q22.
Variant type: single nucleotide variant.
Coding change: c.1544G>C on transcript NM_017777.4 (MANE Select); coding-DNA position 1544, G replaced by C.
Protein change: p.Arg515Pro; replaces arginine 515 with proline.
Molecular consequence: missense variant. On other transcripts: synonymous variant (1).
Genome position (GRCh38, 1-based): chr17:58,206,327, C>G on the plus strand (G>C on the coding strand, the complement: MKS1 is on the minus strand). VCF-style: chr17-58206327-C-G. GRCh37 (hg19) VCF-style: chr17-56283688-C-G.
Other names: c.935G>C, p.Arg312Pro (NM_001321268.2); c.1461G>C, p.Pro487= (NM_001321269.2); c.1327G>C, p.Val443Leu (NM_001330397.2); short protein forms R515P, R312P, V443L.
Identifiers: ClinVar variation 4996625 (VCV004996625.1).